The following is an entry in ClinVar:

NM_001177316.2(SLC34A3):c.143del (p.Pro48fs)

Gene: SLC34A3 (solute carrier family 34 member 3; plus strand). Cytogenetic location: 9q34.3.
Variant type: Deletion.
Coding change: c.143del on transcript NM_001177316.2 (MANE Select); coding-DNA position 143, one base deleted (C; older notation c.143delC).
Protein change: p.Pro48fs; shifts the reading frame from proline 48.
Molecular consequence: frameshift variant.
Genome position (GRCh38, 1-based): chr9:137,232,129, C deleted; the last of 3 consecutive C bases (chr9:137,232,127-137,232,129); deleting any one gives the same sequence. VCF-style (leftmost placement, unchanged base first): chr9-137232126-TC-T. GRCh37 (hg19) VCF-style: chr9-140126578-TC-T.
Other names: c.143del, p.Pro48fs (NM_001177317.2, NM_080877.3); c.143delC (NM_080877.2); short protein forms P48fs.
Identifiers: ClinVar variation 835431 (VCV000835431.8), dbSNP rs1564415555, ClinGen allele CA591207596.

ClinVar aggregate classification (germline): Pathogenic (1 of 4 stars; one submission).

Submission:

Labcorp Genetics (formerly Invitae), Labcorp
Classification: Pathogenic. Last evaluated: 2025-09-03. Review status: criteria provided, single submitter. Criteria: Invitae Variant Classification Sherloc (09022015). Collection method: clinical testing. Allele origin: germline.
Comment: This sequence change creates a premature translational stop signal (p.Pro48Leufs*3) in the SLC34A3 gene. It is expected to result in an absent or disrupted protein product. Loss-of-function variants in SLC34A3 are known to be pathogenic (PMID: 16358214, 16358215, 22159077). This variant is present in population databases (no rsID available, gnomAD 0.0009%). This variant has not been reported in the literature in individuals affected with SLC34A3-related conditions. ClinVar contains an entry for this variant (Variation ID: 835431). For these reasons, this variant has been classified as Pathogenic.

Literature cited by the submitters: PubMed 16358214; PubMed 16358215; PubMed 22159077.